The following is an entry in ClinVar:

ClinVar aggregate classification (germline): Uncertain significance (1 of 4 stars; one submission).

Conditions:
Progressive myoclonic epilepsy. Also called: Familial progressive myoclonic epilepsy; Myoclonic Epilepsies, Progressive; Myoclonus epilepsy; Progressive myoclonus epilepsy. Identifiers: Orphanet 308, Orphanet 98261, MedGen C0751778, MONDO:0020074.

gnomAD v4.1: 2 of 1,613,710 alleles (0.00012%); highest among the groups gnomAD compares: Non-Finnish European, 0.00017%; no homozygotes.

Submission:

Labcorp Genetics (formerly Invitae), Labcorp
Classification: Uncertain significance for Progressive myoclonic epilepsy. Last evaluated: 2021-04-27. Review status: criteria provided, single submitter. Criteria: Invitae Variant Classification Sherloc (09022015). Collection method: clinical testing. Allele origin: germline.
Comment: In summary, the available evidence is currently insufficient to determine the role of this variant in disease. Therefore, it has been classified as a Variant of Uncertain Significance. Algorithms developed to predict the effect of missense changes on protein structure and function (SIFT, PolyPhen-2, Align-GVGD) all suggest that this variant is likely to be tolerated, but these predictions have not been confirmed by published functional studies and their clinical significance is uncertain. This variant has not been reported in the literature in individuals with SCARB2-related conditions. This variant is not present in population databases (ExAC no frequency). This sequence change replaces alanine with serine at codon 116 of the SCARB2 protein (p.Ala116Ser). The alanine residue is moderately conserved and there is a moderate physicochemical difference between alanine and serine.

NM_005506.4(SCARB2):c.346G>T (p.Ala116Ser)

Gene: SCARB2 (scavenger receptor class B member 2; minus strand). Cytogenetic location: 4q21.1.
Variant type: single nucleotide variant.
Coding change: c.346G>T on transcript NM_005506.4 (MANE Select); coding-DNA position 346, G replaced by T.
Protein change: p.Ala116Ser; replaces alanine 116 with serine.
Molecular consequence: missense variant. On other transcripts: intron variant (1).
Genome position (GRCh38, 1-based): chr4:76,181,031, C>A on the plus strand (G>T on the coding strand, the complement: SCARB2 is on the minus strand). VCF-style: chr4-76181031-C-A. GRCh37 (hg19) VCF-style: chr4-77102184-C-A.
Other names: c.276-5121G>T (NM_001204255.2); short protein forms A116S.
Identifiers: ClinVar variation 1349346 (VCV001349346.8), dbSNP rs1732373270, ClinGen allele CA357327243.